The following is an entry in ClinVar:

NM_178138.6(LHX3):c.1112C>T (p.Ser371Phe)

Gene: LHX3 (LIM homeobox 3; minus strand). Cytogenetic location: 9q34.3.
Variant type: single nucleotide variant.
Coding change: c.1112C>T on transcript NM_178138.6 (MANE Select); coding-DNA position 1112, C replaced by T.
Protein change: p.Ser371Phe; replaces serine 371 with phenylalanine.
Molecular consequence: missense variant.
Genome position (GRCh38, 1-based): chr9:136,197,407, G>A on the plus strand (C>T on the coding strand, the complement: LHX3 is on the minus strand). VCF-style: chr9-136197407-G-A. GRCh37 (hg19) VCF-style: chr9-139089253-G-A.
Other names: c.1079C>T, p.Ser360Phe (NM_001363746.1); c.1127C>T, p.Ser376Phe (NM_014564.5); short protein forms S376F, S360F, S371F.
Identifiers: ClinVar variation 2159344 (VCV002159344.2), dbSNP rs752464294, ClinGen allele CA5330258.

ClinVar aggregate classification (germline): Uncertain significance. Review status: criteria provided, multiple submitters, no conflicts (2 of 4 stars). 2 submissions from 2 submitters: Uncertain significance (2). Last evaluated 2024-09-23.

Allele frequency attached by ClinVar (database versions not stated): TOPMed 0.00002; gnomAD 0.00003; ExAC 0.00004; gnomAD exomes 0.00004.
gnomAD v4.1: 60 of 1,609,004 alleles (0.0037%); highest among the groups gnomAD compares: Non-Finnish European, 0.0048%; no homozygotes.

Submissions (2):

Blueprint Genetics
Classification: Uncertain significance. Last evaluated: 2024-09-23. Review status: criteria provided, single submitter. Criteria: ACMG Guidelines, 2015. Collection method: clinical testing. Allele origin: germline.

Labcorp Genetics (formerly Invitae), Labcorp
Classification: Uncertain significance. Last evaluated: 2022-05-15. Review status: criteria provided, single submitter. Criteria: Invitae Variant Classification Sherloc (09022015). Collection method: clinical testing. Allele origin: germline.
Comment: This sequence change replaces serine, which is neutral and polar, with phenylalanine, which is neutral and non-polar, at codon 376 of the LHX3 protein (p.Ser376Phe). This variant is present in population databases (rs752464294, gnomAD 0.007%). This variant has not been reported in the literature in individuals affected with LHX3-related conditions. Algorithms developed to predict the effect of missense changes on protein structure and function are either unavailable or do not agree on the potential impact of this missense change (SIFT: "Not Available"; PolyPhen-2: "Probably Damaging"; Align-GVGD: "Not Available"). In summary, the available evidence is currently insufficient to determine the role of this variant in disease. Therefore, it has been classified as a Variant of Uncertain Significance.